The following is an entry in ClinVar:

NM_001145319.2(PLS1):c.580-11del

Gene: PLS1 (plastin 1; plus strand). Cytogenetic location: 3q23.
Variant type: Deletion.
Coding change: c.580-11del on transcript NM_001145319.2 (MANE Select); 11 bases into the intron before coding-DNA position 580, one base deleted (T; older notation c.580-11delT).
Molecular consequence: intron variant.
Genome position (GRCh38, 1-based): chr3:142,683,995, T deleted; the last of 10 consecutive T bases (chr3:142,683,986-142,683,995); deleting any one gives the same sequence. VCF-style (leftmost placement, unchanged base first): chr3-142683985-CT-C. GRCh37 (hg19) VCF-style: chr3-142402827-CT-C.
Other names: c.580-11del (NM_002670.3, NM_001172312.2).
Identifiers: ClinVar variation 3056069 (VCV003056069.2), dbSNP rs753266465, ClinGen allele CA2651083.

ClinVar aggregate classification (germline): Likely benign (0 of 4 stars; one submission).

Conditions:
PLS1-related disorder. Also called: PLS1-related condition.

Submission:

PreventionGenetics, part of Exact Sciences
Classification: Likely benign for PLS1-related condition. Last evaluated: 2020-09-14. Review status: no assertion criteria provided. Collection method: clinical testing. Allele origin: germline.
Comment: This variant is classified as likely benign based on ACMG/AMP sequence variant interpretation guidelines (Richards et al. 2015 PMID: 25741868, with internal and published modifications).